The following is an entry in ClinVar:

ClinVar aggregate classification (germline): Uncertain significance (1 of 4 stars; one submission).

Submission:

Women's Health and Genetics/Laboratory Corporation of America, LabCorp
Classification: Uncertain significance. Last evaluated: 2023-10-26. Review status: criteria provided, single submitter. Criteria: LabCorp Variant Classification Summary - May 2015. Collection method: clinical testing. Allele origin: germline.
Comment: Variant summary: The variant identified by MLPA or other technology involves the deletion of exons 6-12 in the COLGALT1 gene. A presumed nomenclature of c.(829+1_830-1)_(*1714_?)del has been designated for the purposes of this classification. Although exact breakpoints of this deletion are not known, it is expected to result in a large deletion including the last exon in the COLGALT1 gene where loss of function has not been established as a mechanism of disease. The variant was absent in 21694 control chromosomes (gnomAD, Structural Variants dataset). To our knowledge, no occurrence of c.(829+1_830-1)_(*1714_?)del in individuals affected with Brain Small Vessel Disease 3 and no experimental evidence demonstrating its impact on protein function have been reported. No submitters have cited clinical-significance assessments for this variant to ClinVar after 2014. Based on the evidence outlined above, the variant was classified as uncertain significance.

NC_000019.9:g.(17679523_17683291)_(17693967_?)del

Gene: COLGALT1 (collagen beta(1-O)galactosyltransferase 1; plus strand). Cytogenetic location: 19p13.11.
Variant type: Deletion.
Identifiers: ClinVar variation 2637504 (VCV002637504.1).